The following is an entry in ClinVar:

ClinVar aggregate classification (germline): Uncertain significance (1 of 4 stars; one submission).

Conditions:
EGFR-related lung cancer (EGFR). Identifiers: MedGen CN130014.

Submission:

Labcorp Genetics (formerly Invitae), Labcorp
Classification: Uncertain significance for EGFR-related lung cancer. Last evaluated: 2023-12-14. Review status: criteria provided, single submitter. Criteria: Invitae Variant Classification Sherloc (09022015). Collection method: clinical testing. Allele origin: germline.
Comment: This sequence change replaces serine, which is neutral and polar, with asparagine, which is neutral and polar, at codon 1026 of the EGFR protein (p.Ser1026Asn). This variant is not present in population databases (gnomAD no frequency). This variant has not been reported in the literature in individuals affected with EGFR-related conditions. Advanced modeling of protein sequence and biophysical properties (such as structural, functional, and spatial information, amino acid conservation, physicochemical variation, residue mobility, and thermodynamic stability) performed at Invitae indicates that this missense variant is not expected to disrupt EGFR protein function with a negative predictive value of 80%. In summary, the available evidence is currently insufficient to determine the role of this variant in disease. Therefore, it has been classified as a Variant of Uncertain Significance.

NM_005228.5(EGFR):c.3077G>A (p.Ser1026Asn)

Gene: EGFR (epidermal growth factor receptor; plus strand). Cytogenetic location: 7p11.2.
Variant type: single nucleotide variant.
Coding change: c.3077G>A on transcript NM_005228.5 (MANE Select); coding-DNA position 3077, G replaced by A.
Protein change: p.Ser1026Asn; replaces serine 1026 with asparagine.
Molecular consequence: missense variant.
Genome position (GRCh38, 1-based): chr7:55,201,318, G>A. VCF-style: chr7-55201318-G-A. GRCh37 (hg19) VCF-style: chr7-55269011-G-A.
Other names: c.2942G>A, p.Ser981Asn (NM_001346897.2, NM_001346899.2); c.3077G>A, p.Ser1026Asn (NM_001346898.2); c.2918G>A, p.Ser973Asn (NM_001346900.2); c.2276G>A, p.Ser759Asn (NM_001346941.2); short protein forms S1026N, S759N, S973N, S981N.
Identifiers: ClinVar variation 2788834 (VCV002788834.3), dbSNP rs2128971718, ClinGen allele CA367582674.
Genomic context (GRCh38, chr7:55,201,318, plus strand): 5'-ACATGGACGACGTGGTGGATGCCGACGAGTACCTCATCCCACAGCAGGGCTTCTTCAGCA[G>A]CCCCTCCACGTCACGGACTCCCCTCCTGAGCTCTCTGGTATGAAATCTCTGTCTCTCTCT-3'
Protein context (NP_005219.2, residues 1016-1036): YLIPQQGFFS[Ser1026Asn]PSTSRTPLLS